The following is an entry in ClinVar:

ClinVar aggregate classification (germline): Uncertain significance (1 of 4 stars; one submission).

Conditions:
Hereditary cancer-predisposing syndrome. Also called: Tumor predisposition; Hereditary neoplastic syndrome; Hereditary Cancer Syndrome; Neoplastic Syndromes, Hereditary. Identifiers: Orphanet 140162, MedGen C0027672, MeSH D009386, MONDO:0015356.

Submission:

Ambry Genetics
Classification: Uncertain significance for Hereditary cancer-predisposing syndrome. Last evaluated: 2024-01-31. Review status: criteria provided, single submitter. Criteria: Ambry Variant Classification Scheme 2023. Collection method: clinical testing. Allele origin: germline.
Comment: The p.D1316G variant (also known as c.3947A>G), located in coding exon 20 of the BLM gene, results from an A to G substitution at nucleotide position 3947. The aspartic acid at codon 1316 is replaced by glycine, an amino acid with similar properties. This amino acid position is conserved. In addition, this alteration is predicted to be tolerated by in silico analysis. Based on the available evidence, the clinical significance of this alteration remains unclear.

NM_000057.4(BLM):c.3947A>G (p.Asp1316Gly)

Gene: BLM (BLM RecQ like helicase; plus strand). Cytogenetic location: 15q26.1.
Variant type: single nucleotide variant.
Coding change: c.3947A>G on transcript NM_000057.4 (MANE Select); coding-DNA position 3947, A replaced by G.
Protein change: p.Asp1316Gly; replaces aspartic acid 1316 with glycine.
Molecular consequence: missense variant.
Genome position (GRCh38, 1-based): chr15:90,811,277, A>G. VCF-style: chr15-90811277-A-G. GRCh37 (hg19) VCF-style: chr15-91354507-A-G.
Other names: c.3947A>G, p.Asp1316Gly (NM_001287246.2); c.3554A>G, p.Asp1185Gly (NM_001287247.2); c.2822A>G, p.Asp941Gly (NM_001287248.2); short protein forms D1185G, D1316G, D941G.
Identifiers: ClinVar variation 3224660 (VCV003224660.1), dbSNP rs2505566875, ClinGen allele CA393850816.
Genomic context (GRCh38, chr15:90,811,277, plus strand): 5'-CCCCAGGGATAAGCCTGTCCAGCAGCAGAGGCCCCGGAAGAAGTGCCGCTGAGGAGCTCG[A>G]CGAGGAAATACCCGTATCTTCCCACTACTTTGCAAGTAAAACCAGAAATGAAAGGAAGAG-3'
Protein context (NP_000048.1, residues 1306-1326): GPGRSAAEEL[Asp1316Gly]EEIPVSSHYF